The following is an entry in ClinVar:

ClinVar aggregate classification (germline): Benign. Review status: criteria provided, multiple submitters, no conflicts (2 of 4 stars). 12 submissions from 8 submitters: Benign (12). Last evaluated 2024-11-27.

Conditions:
Autosomal recessive limb-girdle muscular dystrophy type 2Q (LGMDR17). Also called: MUSCULAR DYSTROPHY, LIMB-GIRDLE, AUTOSOMAL RECESSIVE 17. Identifiers: Orphanet 254361, MedGen C3150989, MONDO:0013390, OMIM 613723.
Epidermolysis bullosa simplex 5C, with pyloric atresia (EBS5C). Also called: PLEC-Related Epidermolysis Bullosa with Pyloric Atresia; Epidermolysis bullosa simplex with pyloric atresia; PLEC1-Related Epidermolysis Bullosa with Pyloric Atresia. Identifiers: Orphanet 158684, MedGen C2677349, MONDO:0012807, OMIM 612138.
Epidermolysis bullosa simplex 5B, with muscular dystrophy (EBS5B). Also called: EPIDERMOLYSIS BULLOSA SIMPLEX AND LIMB-GIRDLE MUSCULAR DYSTROPHY; Epidermolysis bullosa simplex with muscular dystrophy. Identifiers: Orphanet 257, MedGen C2931072, MONDO:0009181, OMIM 226670.
Epidermolysis bullosa simplex, Ogna type (EBS5A). Also called: EPIDERMOLYSIS BULLOSA SIMPLEX 5A, OGNA TYPE; Pidermolysis bullosa simplex 5A, Ogna type. Identifiers: Orphanet 79401, MedGen C0432317, MONDO:0007555, OMIM 131950.
Epidermolysis bullosa simplex with nail dystrophy (EBS5D). Identifiers: MedGen C4225309, MONDO:0014661, OMIM 616487.

Allele frequency attached by ClinVar (database versions not stated): 1000 Genomes Project 30x 0.23751; 1000 Genomes Project 0.23822; TOPMed 0.28865; gnomAD 0.30524 and 0.30683; gnomAD exomes 0.34790 and 0.40479; ExAC 0.43074.
gnomAD v4.1: 602,789 of 1,527,716 alleles (39%); highest among the groups gnomAD compares: Non-Finnish European, 43%; 125,133 homozygotes.

Submissions (12):

Blueprint Genetics
Classification: Benign. Last evaluated: 2024-11-27. Review status: criteria provided, single submitter. Criteria: ACMG Guidelines, 2015. Collection method: clinical testing. Allele origin: germline.

Genome-Nilou Lab
Classification: Benign for Epidermolysis bullosa simplex with nail dystrophy. Last evaluated: 2021-10-25. Review status: criteria provided, single submitter. Criteria: ACMG Guidelines, 2015. Collection method: clinical testing. Allele origin: germline. Affected: no.

Genome-Nilou Lab
Classification: Benign for Epidermolysis bullosa simplex, Ogna type. Last evaluated: 2021-10-25. Review status: criteria provided, single submitter. Criteria: ACMG Guidelines, 2015. Collection method: clinical testing. Allele origin: germline. Affected: no.

Genome-Nilou Lab
Classification: Benign for Epidermolysis bullosa simplex 5B, with muscular dystrophy. Last evaluated: 2021-10-25. Review status: criteria provided, single submitter. Criteria: ACMG Guidelines, 2015. Collection method: clinical testing. Allele origin: germline. Affected: no.

Genome-Nilou Lab
Classification: Benign for Epidermolysis bullosa simplex 5C, with pyloric atresia. Last evaluated: 2021-10-25. Review status: criteria provided, single submitter. Criteria: ACMG Guidelines, 2015. Collection method: clinical testing. Allele origin: germline. Affected: no.

Genome-Nilou Lab
Classification: Benign for Autosomal recessive limb-girdle muscular dystrophy type 2Q. Last evaluated: 2021-10-25. Review status: criteria provided, single submitter. Criteria: ACMG Guidelines, 2015. Collection method: clinical testing. Allele origin: germline. Affected: no.

Mayo Clinic Laboratories, Mayo Clinic
Classification: Benign. Last evaluated: 2017-12-01. Review status: criteria provided, single submitter. Criteria: ACMG Guidelines, 2015. Collection method: clinical testing. Allele origin: germline. Observed: 792 variant alleles.

Eurofins Ntd Llc (ga)
Classification: Benign. Last evaluated: 2016-11-14. Review status: criteria provided, single submitter. Criteria: EGL Classification Definitions 2015. Collection method: clinical testing. Allele origin: germline. Observed: 61 variant alleles, 46 heterozygotes, 15 homozygotes.

GeneDx
Classification: Benign. Last evaluated: 2015-03-03. Review status: criteria provided, single submitter. Criteria: GeneDx Variant Classification Process June 2021. Collection method: clinical testing. Allele origin: germline. Affected: yes.

Laboratory for Molecular Medicine, Mass General Brigham Personalized Medicine
Classification: Benign. Last evaluated: 2014-11-24. Review status: criteria provided, single submitter. Criteria: LMM Criteria. Collection method: clinical testing. Allele origin: germline. Observed: 8 variant alleles.
Comment: *10C>T in exon 32 of PLEC: This variant is not expected to have clinical signifi cance because it has been identified in 60.7% (17/28) of Spanish (Iberian) chrom osomes from a broad population by the 1000 Genomes Project (.; dbSNP rs1065837).

Breakthrough Genomics
Classification: Benign. Review status: criteria provided, single submitter. Criteria: ACMG Guidelines, 2015. Collection method: not provided. Allele origin: germline. Inheritance: Autosomal recessive inheritance. Affected: yes.

PreventionGenetics, part of Exact Sciences
Classification: Benign. Review status: criteria provided, single submitter. Criteria: ACMG Guidelines, 2015. Collection method: clinical testing. Allele origin: germline.

NM_201384.3(PLEC):c.*10C>T

Gene: PLEC (plectin; minus strand). Cytogenetic location: 8q24.3.
Variant type: single nucleotide variant.
Coding change: c.*10C>T on transcript NM_201384.3 (MANE Select); 10 bases downstream of the stop codon, C replaced by T.
Molecular consequence: 3 prime UTR variant.
Genome position (GRCh38, 1-based): chr8:143,916,167, G>A on the plus strand (C>T on the coding strand, the complement: PLEC is on the minus strand). VCF-style: chr8-143916167-G-A. GRCh37 (hg19) VCF-style: chr8-144990335-G-A.
Other names: c.*10C>T (NM_000445.5, NM_201378.4, NM_201379.3 and 4 more transcripts).
Identifiers: ClinVar variation 93012 (VCV000093012.16), dbSNP rs1065837, ClinGen allele CA146176.